The following is an entry in ClinVar:

ClinVar aggregate classification (germline): Likely benign. Review status: criteria provided, single submitter (1 of 4 stars). 2 submissions from 2 submitters: Likely benign (1). 1 of the submissions does not count toward it. Last evaluated 2023-07-01.

Conditions:
UBR4-related disorder. Also called: UBR4-related condition.

Allele frequency attached by ClinVar (database versions not stated): ESP Exome Variant Server 0.00138; gnomAD exomes 0.00160; ExAC 0.00175; 1000 Genomes Project 30x 0.00047; 1000 Genomes Project 0.00060; gnomAD 0.00087; TOPMed 0.00087.
gnomAD v4.1: 2,413 of 1,597,208 alleles (0.15%); highest among the groups gnomAD compares: Non-Finnish European, 0.18%; 2 homozygotes.

Submissions (2):

CeGaT Center for Human Genetics Tuebingen
Classification: Likely benign. Last evaluated: 2023-07-01. Review status: criteria provided, single submitter. Criteria: CeGaT Center For Human Genetics Tuebingen Variant Classification Criteria Version 2. Collection method: clinical testing. Allele origin: germline. Affected: yes. Observed: 1 variant allele.
Comment: UBR4: BS1

PreventionGenetics, part of Exact Sciences
Classification: Likely benign for UBR4-related condition. Last evaluated: 2022-04-21. Review status: no assertion criteria provided. Collection method: clinical testing. Allele origin: germline. Not counted in ClinVar's aggregate classification.
Comment: This variant is classified as likely benign based on ACMG/AMP sequence variant interpretation guidelines (Richards et al. 2015 PMID: 25741868, with internal and published modifications).

NM_020765.3(UBR4):c.12400T>G (p.Phe4134Val)

Gene: UBR4 (ubiquitin protein ligase E3 component n-recognin 4; minus strand). Cytogenetic location: 1p36.13.
Variant type: single nucleotide variant.
Coding change: c.12400T>G on transcript NM_020765.3 (MANE Select); coding-DNA position 12400, T replaced by G.
Protein change: p.Phe4134Val; replaces phenylalanine 4134 with valine.
Molecular consequence: missense variant.
Genome position (GRCh38, 1-based): chr1:19,105,836, A>C on the plus strand (T>G on the coding strand, the complement: UBR4 is on the minus strand). VCF-style: chr1-19105836-A-C. GRCh37 (hg19) VCF-style: chr1-19432330-A-C.
Other names: c.12400T>G (NM_020765.2); short protein forms F4134V.
Identifiers: ClinVar variation 2638414 (VCV002638414.25), dbSNP rs143516447, ClinGen allele CA648718.